The following is an entry in ClinVar:

ClinVar aggregate classification (germline): Uncertain significance (1 of 4 stars; one submission).

Conditions:
Hereditary cancer-predisposing syndrome. Also called: Tumor predisposition; Hereditary neoplastic syndrome; Hereditary Cancer Syndrome; Neoplastic Syndromes, Hereditary. Identifiers: Orphanet 140162, MedGen C0027672, MeSH D009386, MONDO:0015356.

Submission:

Ambry Genetics
Classification: Uncertain significance for Hereditary cancer-predisposing syndrome. Last evaluated: 2023-10-04. Review status: criteria provided, single submitter. Criteria: Ambry Variant Classification Scheme 2023. Collection method: clinical testing. Allele origin: germline.
Comment: The c.475delG variant, located in coding exon 5 of the MAX gene, results from a deletion of one nucleotide at nucleotide position 475, causing a translational frameshift with a predicted alternate stop codon (p.A159Pfs*11). This alteration occurs at the 3' terminus of theMAX gene, is not expected to trigger nonsense-mediated mRNAdecay and results in the elongation of the protein by 8 amino acids. This frameshift impacts the last 3amino acids of the native protein. The exact functional effect of the altered amino acids is unknown. Since supporting evidence is limited at this time, the clinical significance of this alteration remains unclear.

NM_002382.5(MAX):c.475del (p.Ala159fs)

Gene: MAX (MYC associated transcriptional regulator X; minus strand). Cytogenetic location: 14q23.3.
Variant type: Deletion.
Coding change: c.475del on transcript NM_002382.5 (MANE Select); coding-DNA position 475, one base deleted (G; older notation c.475delG).
Protein change: p.Ala159fs; shifts the reading frame from alanine 159.
Molecular consequence: frameshift variant. On other transcripts: 3 prime UTR variant (12), non-coding transcript variant (7), intron variant (2).
Genome position (GRCh38, 1-based): chr14:65,076,484, C deleted on the plus strand (G on the coding strand, the reverse complement: MAX is on the minus strand); the first of 2 consecutive C bases (chr14:65,076,484-65,076,485); deleting either gives the same sequence. VCF-style (leftmost placement, unchanged base first): chr14-65076483-GC-G. GRCh37 (hg19) VCF-style: chr14-65543201-GC-G.
Other names: c.286del, p.Ala96fs (NM_001320415.2, NM_001407105.1, NM_001407106.1 and 1 more transcripts); c.475del, p.Ala159fs (NM_001407094.1); c.448del, p.Ala150fs (NM_001407095.1, NM_145112.3); c.*248del (NM_001407096.1, NM_001407099.1, NM_001407102.1 and 2 more transcripts); c.*264del (NM_001407097.1, NM_001407100.1, NM_001407101.1 and 4 more transcripts); c.367del, p.Ala123fs (NM_001407098.1); c.274del, p.Ala92fs (NM_001407111.1, NM_001407112.1); c.144+17224del (NM_001271069.2); and 2 more; short protein forms A123fs, A150fs, A159fs, A92fs, A96fs.
Identifiers: ClinVar variation 3222159 (VCV003222159.1), dbSNP rs2504172415, ClinGen allele CA2625289782.